The following is an entry in ClinVar:

ClinVar aggregate classification (germline): Uncertain significance. Review status: criteria provided, multiple submitters, no conflicts (2 of 4 stars). 2 submissions from 2 submitters: Uncertain significance (2). Last evaluated 2025-05-23.

Conditions:
Hereditary spherocytosis type 1. Also called: Spherocytosis type 1; ANK1-Related Spherocytosis. Identifiers: Orphanet 822, MedGen C2674218, MONDO:0008447, OMIM 182900.

gnomAD v4.1: 11 of 1,613,560 alleles (0.00068%); highest among the groups gnomAD compares: African/African-American, 0.0027%; no homozygotes.

Submissions (2):

Labcorp Genetics (formerly Invitae), Labcorp
Classification: Uncertain significance. Last evaluated: 2025-05-23. Review status: criteria provided, single submitter. Criteria: Invitae Variant Classification Sherloc (09022015). Collection method: clinical testing. Allele origin: germline.
Comment: This sequence change replaces arginine, which is basic and polar, with tryptophan, which is neutral and slightly polar, at codon 1423 of the ANK1 protein (p.Arg1423Trp). This variant is present in population databases (no rsID available, gnomAD 0.003%). This variant has not been reported in the literature in individuals affected with ANK1-related conditions. Invitae Evidence Modeling of protein sequence and biophysical properties (such as structural, functional, and spatial information, amino acid conservation, physicochemical variation, residue mobility, and thermodynamic stability) indicates that this missense variant is not expected to disrupt ANK1 protein function with a negative predictive value of 80%. In summary, the available evidence is currently insufficient to determine the role of this variant in disease. Therefore, it has been classified as a Variant of Uncertain Significance.

Revvity Omics, Revvity
Classification: Uncertain significance for Hereditary spherocytosis type 1. Last evaluated: 2024-05-07. Review status: criteria provided, single submitter. Criteria: ACMG Guidelines, 2015. Collection method: clinical testing. Allele origin: germline.

NM_000037.4(ANK1):c.4267C>T (p.Arg1423Trp)

Gene: ANK1 (ankyrin 1; minus strand). Cytogenetic location: 8p11.21.
Variant type: single nucleotide variant.
Coding change: c.4267C>T on transcript NM_000037.4 (MANE Select); coding-DNA position 4267, C replaced by T.
Protein change: p.Arg1423Trp; replaces arginine 1423 with tryptophan.
Molecular consequence: missense variant.
Genome position (GRCh38, 1-based): chr8:41,686,275, G>A on the plus strand (C>T on the coding strand, the complement: ANK1 is on the minus strand). VCF-style: chr8-41686275-G-A. GRCh37 (hg19) VCF-style: chr8-41543793-G-A.
Other names: c.4390C>T, p.Arg1464Trp (NM_001142446.2); c.4267C>T, p.Arg1423Trp (NM_020475.3, NM_020476.3, NM_020477.3); short protein forms R1423W, R1464W.
Identifiers: ClinVar variation 4077914 (VCV004077914.2).